The following is an entry in ClinVar:

ClinVar aggregate classification (germline): Uncertain significance (1 of 4 stars; one submission).

Conditions:
Cryopyrin associated periodic syndrome (CAPS). Identifiers: Orphanet 208650, MedGen C2316212, MONDO:0016168.

gnomAD v4.1: 1 of 1,614,114 alleles (0.000062%); highest among the groups gnomAD compares: Non-Finnish European, 0.000085%; no homozygotes.

Submission:

Labcorp Genetics (formerly Invitae), Labcorp
Classification: Uncertain significance for Cryopyrin associated periodic syndrome. Last evaluated: 2024-08-29. Review status: criteria provided, single submitter. Criteria: Invitae Variant Classification Sherloc (09022015). Collection method: clinical testing. Allele origin: germline.
Comment: This sequence change replaces glutamine, which is neutral and polar, with arginine, which is basic and polar, at codon 400 of the NLRP3 protein (p.Gln400Arg). This variant is not present in population databases (gnomAD no frequency). This variant has not been reported in the literature in individuals affected with NLRP3-related conditions. An algorithm developed to predict the effect of missense changes on protein structure and function outputs the following: PolyPhen-2: "Probably Damaging". The arginine amino acid residue is found in multiple mammalian species, which suggests that this missense change does not adversely affect protein function. In summary, the available evidence is currently insufficient to determine the role of this variant in disease. Therefore, it has been classified as a Variant of Uncertain Significance.

NM_001243133.2(NLRP3):c.1193A>G (p.Gln398Arg)

Gene: NLRP3 (NLR family pyrin domain containing 3; plus strand). Cytogenetic location: 1q44.
Variant type: single nucleotide variant.
Coding change: c.1193A>G on transcript NM_001243133.2 (MANE Select); coding-DNA position 1193, A replaced by G.
Protein change: p.Gln398Arg; replaces glutamine 398 with arginine.
Molecular consequence: missense variant.
Genome position (GRCh38, 1-based): chr1:247,424,642, A>G. VCF-style: chr1-247424642-A-G. GRCh37 (hg19) VCF-style: chr1-247587944-A-G.
Other names: c.1193A>G, p.Gln398Arg (NM_001079821.3, NM_001127461.3, NM_001127462.3 and 1 more transcripts); c.1199A>G, p.Gln400Arg (NM_004895.5); short protein forms Q398R, Q400R.
Identifiers: ClinVar variation 3633873 (VCV003633873.2).